The following is an entry in ClinVar:

ClinVar aggregate classification (germline): Uncertain significance (1 of 4 stars; one submission).

gnomAD v4.1: 9 of 1,614,116 alleles (0.00056%); highest among the groups gnomAD compares: African/African-American, 0.0013%; no homozygotes.

Submission:

Ambry Genetics
Classification: Uncertain significance. Last evaluated: 2024-08-26. Review status: criteria provided, single submitter. Criteria: Ambry Variant Classification Scheme 2023. Collection method: clinical testing. Allele origin: germline.
Comment: The p.G285R variant (also known as c.853G>C), located in coding exon 1 of the EGLN1 gene, results from a G to C substitution at nucleotide position 853. The glycine at codon 285 is replaced by arginine, an amino acid with dissimilar properties. This amino acid position is highly conserved in available vertebrate species. In addition, this alteration is predicted to be deleterious by in silico analysis. The evidence for this gene-disease relationship is limited; therefore, the clinical significance of this alteration is unclear.

NM_022051.3(EGLN1):c.853G>C (p.Gly285Arg)

Genes: EGLN1 (egl-9 family hypoxia inducible factor 1; minus strand), LOC129932769 (ATAC-STARR-seq lymphoblastoid active region 2730; plus strand). Cytogenetic location: 1q42.2.
Variant type: single nucleotide variant.
Coding change: c.853G>C on transcript NM_022051.3 (MANE Select); coding-DNA position 853, G replaced by C.
Protein change: p.Gly285Arg; replaces glycine 285 with arginine.
Molecular consequence: missense variant.
Genome position (GRCh38, 1-based): chr1:231,421,036, C>G on the plus strand (G>C on the coding strand, the complement: EGLN1 is on the minus strand). VCF-style: chr1-231421036-C-G. GRCh37 (hg19) VCF-style: chr1-231556782-C-G.
Other names: c.853G>C, p.Gly285Arg (NM_001377260.1, NM_001377261.1); short protein forms G285R.
Identifiers: ClinVar variation 1763784 (VCV001763784.3), dbSNP rs1184568745, ClinGen allele CA345234955.